The following is an entry in ClinVar:

ClinVar aggregate classification (germline): Likely pathogenic (1 of 4 stars; one submission).

Conditions:
Parenti-mignot neurodevelopmental syndrome. Identifiers: MedGen C5676984, MONDO:0859249, OMIM 619873.

Submission:

Variantyx, Inc.
Classification: Likely pathogenic for Parenti-mignot neurodevelopmental syndrome. Last evaluated: 2026-01-23. Review status: criteria provided, single submitter. Criteria: Variantyx Assertion Criteria 2022. Collection method: clinical testing. Allele origin: germline. Inheritance: Autosomal dominant inheritance.
Comment: This is a frameshift variant in the CHD5 gene (OMIM: 610771). Pathogenic variants in this gene have been associated with autosomal dominant Parenti-Mignot neurodevelopmental syndrome. This variant introduces a premature termination codon in exon 29 out of 42 and is expected to result in loss of function, which is a known disease mechanism for CHD5 in this disorder (PMID: 33944996) (PVS1). This variant is absent from control populations (PM2_Supporting). It has not been reported in individuals with CHD5-related disorders in the databases available for review. Based on the current evidence, this variant is classified as likely pathogenic for autosomal dominant Parenti-Mignot neurodevelopmental syndrome.

Literature cited by the submitters: PubMed 33944996.

NM_015557.3(CHD5):c.4358_4359del (p.Val1453fs)

Gene: CHD5 (chromodomain helicase DNA binding protein 5; minus strand). Cytogenetic location: 1p36.31.
Variant type: Deletion.
Coding change: c.4358_4359del on transcript NM_015557.3 (MANE Select); coding-DNA positions 4358 to 4359, 2 bases deleted (TG; older notation c.4358_4359delTG).
Protein change: p.Val1453fs; shifts the reading frame from valine 1453.
Molecular consequence: frameshift variant.
Genome position (GRCh38, 1-based): chr1:6,125,135-6,125,136, CA deleted on the plus strand (TG on the coding strand, the reverse complement: CHD5 is on the minus strand); deleting any 2 consecutive bases within chr1:6,125,135-6,125,137 gives the same sequence; the c. name uses the placement nearest the transcript's 3' end. VCF-style (leftmost placement, unchanged base first): chr1-6125134-GCA-G. GRCh37 (hg19) VCF-style: chr1-6185194-GCA-G.
Other names: short protein forms V1453fs.
Identifiers: ClinVar variation 4850127 (VCV004850127.1).